The following is an entry in ClinVar:

NM_001267550.2(TTN):c.38879C>T (p.Pro12960Leu)

Gene: TTN (titin; minus strand). Cytogenetic location: 2q31.2.
Variant type: single nucleotide variant.
Coding change: c.38879C>T on transcript NM_001267550.2 (MANE Select); coding-DNA position 38879, C replaced by T.
Protein change: p.Pro12960Leu; replaces proline 12960 with leucine.
Molecular consequence: missense variant. On other transcripts: intron variant (5).
Genome position (GRCh38, 1-based): chr2:178,652,928, G>A on the plus strand (C>T on the coding strand, the complement: TTN is on the minus strand). VCF-style: chr2-178652928-G-A. GRCh37 (hg19) VCF-style: chr2-179517655-G-A.
Other names: c.13283-10611C>T (NM_003319.4); c.13859-10611C>T (NM_133437.4); c.13658-10611C>T (NM_133432.3); c.31742-387C>T (NM_133378.4); c.34523-387C>T (NM_001256850.1); short protein forms P12960L.
Identifiers: ClinVar variation 4958435 (VCV004958435.2).

ClinVar aggregate classification (germline): Conflicting classifications of pathogenicity. Review status: criteria provided, conflicting classifications (1 of 4 stars). 2 submissions from 2 submitters: Uncertain significance (1); Likely benign (1). Last evaluated 2026-01-22.

Conditions:
TTN-related disorder. Also called: TTN-related disorders; TTN-related condition; TTN-related disease.

gnomAD v4.1: 30 of 1,605,212 alleles (0.0019%); highest among the groups gnomAD compares: East Asian, 0.011%; no homozygotes.

Submissions (2):

PreventionGenetics, part of Exact Sciences
Classification: Uncertain significance for TTN-related condition. Last evaluated: 2026-01-22. Review status: criteria provided, single submitter. Criteria: ACMG Guidelines, 2015. Collection method: clinical testing. Allele origin: germline.
Comment: The TTN c.38879C>T variant is predicted to result in the amino acid substitution p.Pro12960Leu. To our knowledge, this variant has not been reported in the literature. This variant is reported in 0.011% of alleles in individuals of East Asian descent in gnomAD. At this time, the clinical significance of this variant is uncertain due to the absence of conclusive functional and genetic evidence.

Blueprint Genetics
Classification: Likely benign. Last evaluated: 2024-10-14. Review status: criteria provided, single submitter. Criteria: ACMG Guidelines, 2015. Collection method: clinical testing. Allele origin: germline.